The following is an entry in ClinVar:

ClinVar aggregate classification (germline): Uncertain significance (1 of 4 stars; one submission).

gnomAD v4.1: 1 of 1,614,094 alleles (0.000062%); highest among the groups gnomAD compares: Admixed American, 0.0017%; no homozygotes.

Submission:

Labcorp Genetics (formerly Invitae), Labcorp
Classification: Uncertain significance. Last evaluated: 2025-12-01. Review status: criteria provided, single submitter. Criteria: Invitae Variant Classification Sherloc (09022015). Collection method: clinical testing. Allele origin: germline.
Comment: This sequence change replaces tryptophan, which is neutral and slightly polar, with cysteine, which is neutral and slightly polar, at codon 100 of the IL18BP protein (p.Trp100Cys). This variant is not present in population databases (gnomAD no frequency). This variant has not been reported in the literature in individuals affected with IL18BP-related conditions. An algorithm developed to predict the effect of missense changes on protein structure and function (PolyPhen-2) suggests that this variant is likely to be disruptive. In summary, the available evidence is currently insufficient to determine the role of this variant in disease. Therefore, it has been classified as a Variant of Uncertain Significance.

NM_001039660.2(IL18BP):c.300G>C (p.Trp100Cys)

Gene: IL18BP (interleukin 18 binding protein; plus strand). Cytogenetic location: 11q13.4.
Variant type: single nucleotide variant.
Coding change: c.300G>C on transcript NM_001039660.2 (MANE Select); coding-DNA position 300, G replaced by C.
Protein change: p.Trp100Cys; replaces tryptophan 100 with cysteine.
Molecular consequence: missense variant. On other transcripts: intron variant (1).
Genome position (GRCh38, 1-based): chr11:72,001,265, G>C. VCF-style: chr11-72001265-G-C. GRCh37 (hg19) VCF-style: chr11-71712311-G-C.
Other names: c.300G>C, p.Trp100Cys (NM_001039659.2, NM_001145057.1, NM_005699.3 and 2 more transcripts); c.236-519G>C (NM_001145055.1); short protein forms W100C.
Identifiers: ClinVar variation 4766810 (VCV004766810.1).